The following is an entry in ClinVar:

ClinVar aggregate classification (germline): Uncertain significance (1 of 4 stars; one submission).

Allele frequency attached by ClinVar (database versions not stated): gnomAD exomes below 0.00001; gnomAD 0.00001; 1000 Genomes Project 30x 0.00016; 1000 Genomes Project 0.00020.
gnomAD v4.1: 3 of 1,614,190 alleles (0.00019%); highest among the groups gnomAD compares: East Asian, 0.0022%; no homozygotes.

Submission:

Labcorp Genetics (formerly Invitae), Labcorp
Classification: Uncertain significance. Last evaluated: 2022-06-20. Review status: criteria provided, single submitter. Criteria: Invitae Variant Classification Sherloc (09022015). Collection method: clinical testing. Allele origin: germline.
Comment: This sequence change replaces glutamic acid with aspartic acid at codon 457 of the CDH3 protein (p.Glu457Asp). The glutamic acid residue is moedrately conserved and there is a small physicochemical difference between glutamic acid and aspartic acid. This variant is not present in population databases (gnomAD no frequency). This variant has not been reported in the literature in individuals affected with CDH3-related conditions. Algorithms developed to predict the effect of missense changes on protein structure and function output the following: SIFT: "Not Available"; PolyPhen-2: "Benign"; Align-GVGD: "Not Available". The aspartic acid amino acid residue is found in multiple mammalian species, which suggests that this missense change does not adversely affect protein function. In summary, the available evidence is currently insufficient to determine the role of this variant in disease. Therefore, it has been classified as a Variant of Uncertain Significance.

NM_001793.6(CDH3):c.1371G>T (p.Glu457Asp)

Gene: CDH3 (cadherin 3; plus strand). Cytogenetic location: 16q22.1.
Variant type: single nucleotide variant.
Coding change: c.1371G>T on transcript NM_001793.6 (MANE Select); coding-DNA position 1371, G replaced by T.
Protein change: p.Glu457Asp; replaces glutamic acid 457 with aspartic acid.
Molecular consequence: missense variant.
Genome position (GRCh38, 1-based): chr16:68,684,771, G>T. VCF-style: chr16-68684771-G-T. GRCh37 (hg19) VCF-style: chr16-68718674-G-T.
Other names: c.1371G>T, p.Glu457Asp (NM_001317195.3); c.1206G>T, p.Glu402Asp (NM_001317196.2); short protein forms E457D, E402D.
Identifiers: ClinVar variation 1386708 (VCV001386708.3), dbSNP rs77039159, ClinGen allele CA283280397.